The following is an entry in ClinVar:

ClinVar aggregate classification (germline): Uncertain significance (1 of 4 stars; one submission).

Conditions:
Hypertrophic cardiomyopathy. Also called: HYPERTROPHIC MYOCARDIOPATHY. Identifiers: Orphanet 217569, MedGen C0007194, MeSH D002312, MONDO:0005045, HP:0001639.

Allele frequency attached by ClinVar (database versions not stated): ExAC 0.00004.

Submission:

Labcorp Genetics (formerly Invitae), Labcorp
Classification: Uncertain significance for Hypertrophic cardiomyopathy. Last evaluated: 2023-02-14. Review status: criteria provided, single submitter. Criteria: Invitae Variant Classification Sherloc (09022015). Collection method: clinical testing. Allele origin: germline.
Comment: In summary, the available evidence is currently insufficient to determine the role of this variant in disease. Therefore, it has been classified as a Variant of Uncertain Significance. Algorithms developed to predict the effect of missense changes on protein structure and function are either unavailable or do not agree on the potential impact of this missense change (SIFT: "Deleterious"; PolyPhen-2: "Benign"; Align-GVGD: "Class C0"). This variant has not been reported in the literature in individuals affected with MYBPC3-related conditions. This variant is present in population databases (rs762169683, gnomAD 0.01%). This sequence change replaces serine, which is neutral and polar, with proline, which is neutral and non-polar, at codon 269 of the MYBPC3 protein (p.Ser269Pro).

NM_000256.3(MYBPC3):c.805T>C (p.Ser269Pro)

Gene: MYBPC3 (myosin binding protein C3; minus strand). Cytogenetic location: 11p11.2.
Variant type: single nucleotide variant.
Coding change: c.805T>C on transcript NM_000256.3 (MANE Select); coding-DNA position 805, T replaced by C.
Protein change: p.Ser269Pro; replaces serine 269 with proline.
Molecular consequence: missense variant.
Genome position (GRCh38, 1-based): chr11:47,347,873, A>G on the plus strand (T>C on the coding strand, the complement: MYBPC3 is on the minus strand). VCF-style: chr11-47347873-A-G. GRCh37 (hg19) VCF-style: chr11-47369424-A-G.
Other names: short protein forms S269P.
Identifiers: ClinVar variation 2869797 (VCV002869797.3), dbSNP rs762169683, ClinGen allele CA056879.